The following is an entry in ClinVar:

NM_001134407.3(GRIN2A):c.3464G>T (p.Ser1155Ile)

Gene: GRIN2A (glutamate ionotropic receptor NMDA type subunit 2A; minus strand). Cytogenetic location: 16p13.2.
Variant type: single nucleotide variant.
Coding change: c.3464G>T on transcript NM_001134407.3 (MANE Select); coding-DNA position 3464, G replaced by T.
Protein change: p.Ser1155Ile; replaces serine 1155 with isoleucine.
Molecular consequence: missense variant.
Genome position (GRCh38, 1-based): chr16:9,764,080, C>A on the plus strand (G>T on the coding strand, the complement: GRIN2A is on the minus strand). VCF-style: chr16-9764080-C-A. GRCh37 (hg19) VCF-style: chr16-9857937-C-A.
Other names: c.3464G>T, p.Ser1155Ile (NM_000833.5, NM_001134408.2); short protein forms S1155I.
Identifiers: ClinVar variation 3015288 (VCV003015288.3), dbSNP rs750221539, ClinGen allele CA7896314.

ClinVar aggregate classification (germline): Uncertain significance (1 of 4 stars; one submission).

Conditions:
Landau-Kleffner syndrome (FESD). Also called: EPILEPSY, FOCAL, WITH SPEECH DISORDER AND WITH OR WITHOUT MENTAL RETARDATION; APHASIA, ACQUIRED, WITH EPILEPSY. Identifiers: Orphanet 1945, Orphanet 725, Orphanet 98818, MedGen C0282512, MONDO:0009509, OMIM 245570.

Allele frequency attached by ClinVar (database versions not stated): gnomAD exomes below 0.00001; ExAC 0.00001.
gnomAD v4.1: 2 of 1,613,554 alleles (0.00012%); highest among the groups gnomAD compares: East Asian, 0.0022%; no homozygotes.

Submission:

Labcorp Genetics (formerly Invitae), Labcorp
Classification: Uncertain significance for Landau-Kleffner syndrome. Last evaluated: 2024-04-02. Review status: criteria provided, single submitter. Criteria: Invitae Variant Classification Sherloc (09022015). Collection method: clinical testing. Allele origin: germline.
Comment: This sequence change replaces serine, which is neutral and polar, with isoleucine, which is neutral and non-polar, at codon 1155 of the GRIN2A protein (p.Ser1155Ile). This variant is present in population databases (rs750221539, gnomAD 0.003%). This variant has not been reported in the literature in individuals affected with GRIN2A-related conditions. Advanced modeling of protein sequence and biophysical properties (such as structural, functional, and spatial information, amino acid conservation, physicochemical variation, residue mobility, and thermodynamic stability) has been performed at Invitae for this missense variant, however the output from this modeling did not meet the statistical confidence thresholds required to predict the impact of this variant on GRIN2A protein function. In summary, the available evidence is currently insufficient to determine the role of this variant in disease. Therefore, it has been classified as a Variant of Uncertain Significance.